The following is an entry in ClinVar:

NM_133497.4(KCNV2):c.1597C>G (p.Leu533Val)

Gene: KCNV2 (potassium voltage-gated channel modifier subfamily V member 2; plus strand). Cytogenetic location: 9p24.2.
Variant type: single nucleotide variant.
Coding change: c.1597C>G on transcript NM_133497.4 (MANE Select); coding-DNA position 1597, C replaced by G.
Protein change: p.Leu533Val; replaces leucine 533 with valine.
Molecular consequence: missense variant.
Genome position (GRCh38, 1-based): chr9:2,729,686, C>G. VCF-style: chr9-2729686-C-G. GRCh37 (hg19) VCF-style: chr9-2729686-C-G.
Other names: short protein forms L533V.
Identifiers: ClinVar variation 262361 (VCV000262361.15), dbSNP rs12352254, ClinGen allele CA4965948.

ClinVar aggregate classification (germline): Benign. Review status: criteria provided, multiple submitters, no conflicts (2 of 4 stars). 4 submissions from 4 submitters: Benign (4). Last evaluated 2026-02-03.

Conditions:
Cone dystrophy with supernormal rod response (CDSRR). Also called: CONE DYSTROPHY WITH SUPERNORMAL ROD RESPONSES. Identifiers: Orphanet 209932, MedGen C1835897, MONDO:0012475, OMIM 610356.

Allele frequency attached by ClinVar (database versions not stated): gnomAD exomes 0.07900 and 0.09570; gnomAD 0.15512 and 0.14859; ESP Exome Variant Server 0.15793; TOPMed 0.16224; ExAC 0.09918; 1000 Genomes Project 0.14257; 1000 Genomes Project 30x 0.15116.
gnomAD v4.1: 138,407 of 1,613,502 alleles (8.6%); highest among the groups gnomAD compares: African/African-American, 34%; 9,048 homozygotes.

Submissions (4):

Labcorp Genetics (formerly Invitae), Labcorp
Classification: Benign. Last evaluated: 2026-02-03. Review status: criteria provided, single submitter. Criteria: Invitae Variant Classification Sherloc (09022015). Collection method: clinical testing. Allele origin: germline.

Illumina Laboratory Services, Illumina
Classification: Benign for Cone dystrophy with supernormal rod response. Last evaluated: 2018-01-13. Review status: criteria provided, single submitter. Criteria: ICSL Variant Classification Criteria 13 December 2019. Collection method: clinical testing. Allele origin: germline.
Comment: This variant was observed in the ICSL laboratory as part of a predisposition screen in an ostensibly healthy population. It had not been previously curated by ICSL or reported in the Human Gene Mutation Database (HGMD: prior to June 1st, 2018), and was therefore a candidate for classification through an automated scoring system. Utilizing variant allele frequency, disease prevalence and penetrance estimates, and inheritance mode, an automated score was calculated to assess if this variant is too frequent to cause the disease. Based on the score and internal cut-off values, a variant classified as benign is not then subjected to further curation. The score for this variant resulted in a classification of benign for this disease.

Breakthrough Genomics
Classification: Benign. Review status: criteria provided, single submitter. Criteria: ACMG Guidelines, 2015. Collection method: not provided. Allele origin: germline. Inheritance: Autosomal recessive inheritance. Affected: yes.

PreventionGenetics, part of Exact Sciences
Classification: Benign. Review status: criteria provided, single submitter. Criteria: ACMG Guidelines, 2015. Collection method: clinical testing. Allele origin: germline.